The following is an entry in ClinVar:

ClinVar aggregate classification (germline): Conflicting classifications of pathogenicity. Review status: criteria provided, conflicting classifications (1 of 4 stars). 7 submissions from 6 submitters: Uncertain significance (3); Likely benign (4). Last evaluated 2026-01-06.

Conditions:
Hereditary cancer-predisposing syndrome. Also called: Neoplastic Syndromes, Hereditary; Hereditary Cancer Syndrome; Hereditary neoplastic syndrome; Tumor predisposition. Identifiers: Orphanet 140162, MedGen C0027672, MeSH D009386, MONDO:0015356.
Holoprosencephaly 7 (HPE7). Identifiers: Orphanet 2162, MedGen C1835820, MONDO:0012562, OMIM 610828.
Gorlin syndrome. Also called: Nevoid Basal Cell Carcinoma Syndrome; Basal cell nevus syndrome. Identifiers: Orphanet 377, MedGen C0004779, MONDO:0007187.
Acute myeloid leukemia (AML). Also called: Acute myeloid leukemia, adult; AML adult; Acute non-lymphocytic leukemia; Acute granulocytic leukemia; Leukemia, acute myeloid, somatic; Leukemia, acute myelogenous, somatic. Identifiers: Orphanet 519, MedGen C0023467, MeSH D015470, MONDO:0018874, OMIM 601626, HP:0004808. Disease mechanism: Constitutively activated FLT3.
PTCH1-related disorder. Also called: PTCH1-related disorders; PTCH1-related condition.

Allele frequency attached by ClinVar (database versions not stated): ExAC 0.00004; gnomAD exomes 0.00004; ESP Exome Variant Server 0.00015; gnomAD 0.00015; TOPMed 0.00018; 1000 Genomes Project 0.00020; 1000 Genomes Project 30x 0.00031.
gnomAD v4.1: 43 of 1,614,104 alleles (0.0027%); highest among the groups gnomAD compares: African/African-American, 0.053%; no homozygotes.

Submissions (7):

Labcorp Genetics (formerly Invitae), Labcorp
Classification: Likely benign for Gorlin syndrome. Last evaluated: 2026-01-06. Review status: criteria provided, single submitter. Criteria: Invitae Variant Classification Sherloc (09022015). Collection method: clinical testing. Allele origin: germline.

PreventionGenetics, part of Exact Sciences
Classification: Likely benign for PTCH1-related condition. Last evaluated: 2025-05-27. Review status: criteria provided, single submitter. Criteria: ACMG Guidelines, 2015. Collection method: clinical testing. Allele origin: germline.
Comment: This variant is classified as likely benign based on ACMG/AMP sequence variant interpretation guidelines (Richards et al. 2015 PMID: 25741868, with internal and published modifications).

Ambry Genetics
Classification: Likely benign for Hereditary cancer-predisposing syndrome. Last evaluated: 2021-11-11. Review status: criteria provided, single submitter. Criteria: Ambry Variant Classification Scheme 2023. Collection method: clinical testing. Allele origin: germline.

Quest Diagnostics Nichols Institute San Juan Capistrano
Classification: Likely benign. Last evaluated: 2021-04-14. Review status: criteria provided, single submitter. Criteria: Quest Diagnostics criteria. Collection method: clinical testing. Allele origin: unknown.

Illumina Laboratory Services, Illumina
Classification: Uncertain significance for Basal cell nevus syndrome 1. Last evaluated: 2017-04-28. Review status: criteria provided, single submitter. Criteria: ICSL Variant Classification Criteria 13 December 2019. Collection method: clinical testing. Allele origin: germline.

Illumina Laboratory Services, Illumina
Classification: Uncertain significance for Holoprosencephaly 7. Last evaluated: 2017-04-28. Review status: criteria provided, single submitter. Criteria: ICSL Variant Classification Criteria 13 December 2019. Collection method: clinical testing. Allele origin: germline.

St. Jude Molecular Pathology, St. Jude Children's Research Hospital
Classification: Uncertain significance for Acute myeloid leukemia. Last evaluated: 2016-12-07. Review status: criteria provided, single submitter. Criteria: ACMG Guidelines, 2015. Collection method: clinical testing. Allele origin: germline. Affected: yes.

Literature cited by the submitters: PubMed 28873162 (cited by Ambry Genetics and Quest Diagnostics Nichols Institute San Juan Capistrano); PubMed 32321774 (cited by Quest Diagnostics Nichols Institute San Juan Capistrano).

NM_000264.5(PTCH1):c.2059G>A (p.Val687Met)

Genes: PTCH1 (patched 1; minus strand), LOC100507346 (uncharacterized LOC100507346; plus strand). Cytogenetic location: 9q22.32.
Variant type: single nucleotide variant.
Coding change: c.2059G>A on transcript NM_000264.5 (MANE Select); coding-DNA position 2059, G replaced by A.
Protein change: p.Val687Met; replaces valine 687 with methionine.
Molecular consequence: missense variant. On other transcripts: non-coding transcript variant (2).
Genome position (GRCh38, 1-based): chr9:95,468,942, C>T on the plus strand (G>A on the coding strand, the complement: PTCH1 is on the minus strand). VCF-style: chr9-95468942-C-T. GRCh37 (hg19) VCF-style: chr9-98231224-C-T.
Other names: c.1861G>A, p.Val621Met (NM_001083602.3); c.2056G>A, p.Val686Met (NM_001083603.3); c.1606G>A, p.Val536Met (NM_001083604.3, NM_001083605.3, NM_001083606.3 and 1 more transcripts); c.1903G>A, p.Val635Met (NM_001354918.2); short protein forms V621M, V687M, V635M, V686M, V536M.
Identifiers: ClinVar variation 620624 (VCV000620624.24), dbSNP rs374691153, ClinGen allele CA5138457.